The following is an entry in ClinVar:

ClinVar aggregate classification (germline): Uncertain significance (1 of 4 stars; one submission).

Conditions:
PTPN4-associated disorder.

Submission:

Institute of Human Genetics, University of Leipzig Medical Center
Classification: Uncertain significance for PTPN4-associated disorder. Last evaluated: 2023-12-15. Review status: criteria provided, single submitter. Criteria: ACMG Guidelines, 2015. Collection method: clinical testing. Allele origin: unknown. Inheritance: Autosomal dominant inheritance. Affected: yes.
Comment: Criteria applied: PM2_SUP,PP3

Literature cited by the submitters: PubMed 34527963.

NM_002830.4(PTPN4):c.2075A>T (p.Asp692Val)

Gene: PTPN4 (protein tyrosine phosphatase non-receptor type 4; plus strand). Cytogenetic location: 2q14.2.
Variant type: single nucleotide variant.
Coding change: c.2075A>T on transcript NM_002830.4 (MANE Select); coding-DNA position 2075, A replaced by T.
Protein change: p.Asp692Val; replaces aspartic acid 692 with valine.
Molecular consequence: missense variant.
Genome position (GRCh38, 1-based): chr2:119,957,019, A>T. VCF-style: chr2-119957019-A-T. GRCh37 (hg19) VCF-style: chr2-120714595-A-T.
Other names: short protein forms D692V.
Identifiers: ClinVar variation 2691887 (VCV002691887.2), dbSNP rs2467092150, ClinGen allele CA348148536.
Genomic context (GRCh38, chr2:119,957,019, plus strand): 5'-AATTTAATCTTTTAAACATAACTTTACTAAAACATTATTTCTTTTAAATTTTTTTAGATG[A>T]TGCCACACGGGTCATTTTAAAAGGTAATGAAGACTACATCAATGCGAACTATATAAATGT-3'
Protein context (NP_002821.1, residues 682-702): KNRYRDISPY[Asp692Val]ATRVILKGNE